The following is an entry in ClinVar:

ClinVar aggregate classification (germline): Uncertain significance (1 of 4 stars; one submission).

Submission:

Labcorp Genetics (formerly Invitae), Labcorp
Classification: Uncertain significance. Last evaluated: 2022-08-28. Review status: criteria provided, single submitter. Criteria: Invitae Variant Classification Sherloc (09022015). Collection method: clinical testing. Allele origin: germline.
Comment: In summary, the available evidence is currently insufficient to determine the role of this variant in disease. Therefore, it has been classified as a Variant of Uncertain Significance. Algorithms developed to predict the effect of missense changes on protein structure and function (SIFT, PolyPhen-2, Align-GVGD) all suggest that this variant is likely to be tolerated. This variant has not been reported in the literature in individuals affected with POMP-related conditions. This variant is not present in population databases (gnomAD no frequency). This sequence change replaces glycine, which is neutral and non-polar, with aspartic acid, which is acidic and polar, at codon 107 of the POMP protein (p.Gly107Asp).

NM_015932.6(POMP):c.320G>A (p.Gly107Asp)

Gene: POMP (proteasome maturation protein; plus strand). Cytogenetic location: 13q12.3.
Variant type: single nucleotide variant.
Coding change: c.320G>A on transcript NM_015932.6 (MANE Select); coding-DNA position 320, G replaced by A.
Protein change: p.Gly107Asp; replaces glycine 107 with aspartic acid.
Molecular consequence: missense variant.
Genome position (GRCh38, 1-based): chr13:28,672,394, G>A. VCF-style: chr13-28672394-G-A. GRCh37 (hg19) VCF-style: chr13-29246531-G-A.
Other names: short protein forms G107D.
Identifiers: ClinVar variation 1720759 (VCV001720759.5), dbSNP rs2541640664, ClinGen allele CA387804115.